The following is an entry in ClinVar:

NM_014244.5(ADAMTS2):c.1238+18G>A

Gene: ADAMTS2 (ADAM metallopeptidase with thrombospondin type 1 motif 2; minus strand). Cytogenetic location: 5q35.3.
Variant type: single nucleotide variant.
Coding change: c.1238+18G>A on transcript NM_014244.5 (MANE Select); 18 bases into the intron after coding-DNA position 1238, G replaced by A.
Molecular consequence: intron variant.
Genome position (GRCh38, 1-based): chr5:179,154,796, C>T on the plus strand (G>A on the coding strand, the complement: ADAMTS2 is on the minus strand). VCF-style: chr5-179154796-C-T. GRCh37 (hg19) VCF-style: chr5-178581797-C-T.
Other names: c.1238+18G>A (NM_021599.4).
Identifiers: ClinVar variation 288085 (VCV000288085.17), dbSNP rs2278222, ClinGen allele CA3596001.

ClinVar aggregate classification (germline): Benign. Review status: criteria provided, multiple submitters, no conflicts (2 of 4 stars). 8 submissions from 8 submitters: Benign (6). 2 of the submissions do not count toward it. Last evaluated 2026-02-04.

Conditions:
Ehlers-Danlos syndrome, dermatosparaxis type. Also called: EDS VIIC; Ehlers-Danlos syndrome, type VII, autosomal recessive; Dermatosparaxis. Identifiers: Orphanet 1901, MedGen C2700425, MONDO:0009161, OMIM 225410.

Allele frequency attached by ClinVar (database versions not stated): TOPMed 0.20450; gnomAD 0.20918 and 0.20277; 1000 Genomes Project 30x 0.22673; 1000 Genomes Project 0.23123; gnomAD exomes 0.24720 and 0.26244; ExAC 0.31131; ESP Exome Variant Server 0.18066.
gnomAD v4.1: 387,582 of 1,592,444 alleles (24%); highest among the groups gnomAD compares: East Asian, 37%; 49,628 homozygotes.

Submissions (13):

Labcorp Genetics (formerly Invitae), Labcorp
Classification: Benign for Ehlers-Danlos syndrome, dermatosparaxis type. Last evaluated: 2026-02-04. Review status: criteria provided, single submitter. Criteria: Invitae Variant Classification Sherloc (09022015). Collection method: clinical testing. Allele origin: germline.

Blueprint Genetics
Classification: Benign. Last evaluated: 2024-11-26. Review status: criteria provided, single submitter. Criteria: ACMG Guidelines, 2015. Collection method: clinical testing. Allele origin: germline.

Genome-Nilou Lab
Classification: Benign for Ehlers-Danlos syndrome, dermatosparaxis type. Last evaluated: 2021-07-10. Review status: criteria provided, single submitter. Criteria: ACMG Guidelines, 2015. Collection method: clinical testing. Allele origin: germline. Affected: no.

Women's Health and Genetics/Laboratory Corporation of America, LabCorp
Classification: Benign. Last evaluated: 2016-11-25. Review status: criteria provided, single submitter. Criteria: LabCorp Variant Classification Summary - May 2015. Collection method: clinical testing. Allele origin: germline.
Comment: Variant summary: The ADAMTS2 c.1238+18G>A variant involves the alteration of a non-conserved intronic nucleotide. One in silico tool predicts a benign outcome for this variant. 5/5 splice prediction tools predict no significant impact on normal splicing. However, this variant may strengthen a crptic 5' splicing donor site. These predictions have yet to be confirmed by functional studies. This variant was found in 22005/70686 control chromosomes (2714 homozygotes) at a frequency of 0.3113063, which is approximately 108 times the estimated maximal expected allele frequency of a pathogenic ADAMTS2 variant (0.0028868), suggesting this variant is likely a benign polymorphism. In addition, the variant of interest has been cited as Benign by a reputable database/clinical laboratory. Taken together, this variant is classified as benign.

GeneDx
Classification: Benign. Last evaluated: 2016-10-06. Review status: criteria provided, single submitter. Criteria: GeneDx Variant Classification (06012015). Collection method: clinical testing. Allele origin: germline. Affected: yes.
Comment: This variant is considered likely benign or benign based on one or more of the following criteria: it is a conservative change, it occurs at a poorly conserved position in the protein, it is predicted to be benign by multiple in silico algorithms, and/or has population frequency not consistent with disease.

Eurofins Ntd Llc (ga)
Classification: Benign. Last evaluated: 2016-05-27. Review status: criteria provided, single submitter. Criteria: EGL Classification Definitions 2015. Collection method: clinical testing. Allele origin: germline. Observed: 4 variant alleles, 3 heterozygotes, 1 homozygote.

Genome Diagnostics Laboratory, Amsterdam University Medical Center
Classification: Benign for Ehlers-Danlos syndrome, dermatosparaxis type. Last evaluated: 2014-02-04. Review status: no assertion criteria provided. Criteria: ACGS Guidelines, 2013. Collection method: clinical testing. Allele origin: germline. Affected: yes. Study: VKGL Data-share Consensus. Not counted in ClinVar's aggregate classification.

Diagnostic Laboratory, Department of Genetics, University Medical Center Groningen
Classification: Benign for Ehlers-Danlos syndrome, dermatosparaxis type. Review status: no assertion criteria provided. Collection method: clinical testing. Allele origin: germline. Affected: yes. Study: VKGL Data-share Consensus. Not counted in ClinVar's aggregate classification.

Dr. Peter K. Rogan Lab, Western University
No classification provided (evidence only). Condition: Uterine carcinosarcoma. Review status: no classification provided. Collection method: in vitro. Allele origin: not applicable. Functional consequence: retained intron. Not counted in ClinVar's aggregate classification.

Dr. Peter K. Rogan Lab, Western University
No classification provided (evidence only). Condition: Uterine carcinosarcoma. Review status: no classification provided. Collection method: in vitro. Allele origin: not applicable. Functional consequence: retained intron. Not counted in ClinVar's aggregate classification.

Dr. Peter K. Rogan Lab, Western University
No classification provided (evidence only). Condition: Uterine carcinosarcoma. Review status: no classification provided. Collection method: in vitro. Allele origin: not applicable. Functional consequence: retained intron. Not counted in ClinVar's aggregate classification.

Dr. Peter K. Rogan Lab, Western University
No classification provided (evidence only). Condition: Uterine carcinosarcoma. Review status: no classification provided. Collection method: in vitro. Allele origin: not applicable. Functional consequence: retained intron. Not counted in ClinVar's aggregate classification.

Dr. Peter K. Rogan Lab, Western University
No classification provided (evidence only). Condition: Uterine carcinosarcoma. Review status: no classification provided. Collection method: in vitro. Allele origin: not applicable. Functional consequence: retained intron. Not counted in ClinVar's aggregate classification.